The following is an entry in ClinVar:

NM_000211.5(ITGB2):c.1849G>A (p.Gly617Ser)

Gene: ITGB2 (integrin subunit beta 2; minus strand). Cytogenetic location: 21q22.3.
Variant type: single nucleotide variant.
Coding change: c.1849G>A on transcript NM_000211.5 (MANE Select); coding-DNA position 1849, G replaced by A.
Protein change: p.Gly617Ser; replaces glycine 617 with serine.
Molecular consequence: missense variant.
Genome position (GRCh38, 1-based): chr21:44,889,304, C>T on the plus strand (G>A on the coding strand, the complement: ITGB2 is on the minus strand). VCF-style: chr21-44889304-C-T. GRCh37 (hg19) VCF-style: chr21-46309219-C-T.
Other names: c.1849G>A, p.Gly617Ser (NM_001127491.3); c.1642G>A, p.Gly548Ser (NM_001303238.2); short protein forms G617S, G548S.
Identifiers: ClinVar variation 1910643 (VCV001910643.2), dbSNP rs749135078, ClinGen allele CA10062693.

ClinVar aggregate classification (germline): Uncertain significance (1 of 4 stars; one submission).

Conditions:
Leukocyte adhesion deficiency 1 (LAD1). Also called: LEUKOCYTE ADHESION DEFICIENCY, TYPE I; LAD 1; Lymphocyte function-associated antigen 1 immunodeficiency; LFA 1 immunodeficiency. Identifiers: Orphanet 2968, Orphanet 99842, MedGen C0398738, MONDO:0007293, OMIM 116920.

Allele frequency attached by ClinVar (database versions not stated): TOPMed below 0.00001; gnomAD exomes 0.00001; ExAC 0.00002.
gnomAD v4.1: 12 of 1,612,846 alleles (0.00074%); highest among the groups gnomAD compares: East Asian, 0.0067%; 1 homozygote.

Submission:

Labcorp Genetics (formerly Invitae), Labcorp
Classification: Uncertain significance for Leukocyte adhesion deficiency 1. Last evaluated: 2022-07-23. Review status: criteria provided, single submitter. Criteria: Invitae Variant Classification Sherloc (09022015). Collection method: clinical testing. Allele origin: germline.
Comment: This sequence change replaces glycine, which is neutral and non-polar, with serine, which is neutral and polar, at codon 617 of the ITGB2 protein (p.Gly617Ser). This variant is present in population databases (rs749135078, gnomAD 0.01%). This variant has not been reported in the literature in individuals affected with ITGB2-related conditions. Algorithms developed to predict the effect of missense changes on protein structure and function output the following: SIFT: "Tolerated"; PolyPhen-2: "Benign"; Align-GVGD: "Class C0". The serine amino acid residue is found in multiple mammalian species, which suggests that this missense change does not adversely affect protein function. In summary, the available evidence is currently insufficient to determine the role of this variant in disease. Therefore, it has been classified as a Variant of Uncertain Significance.